The following is an entry in ClinVar:

ClinVar aggregate classification (germline): Uncertain significance (1 of 4 stars; one submission).

Submission:

Ambry Genetics
Classification: Uncertain significance. Last evaluated: 2025-07-03. Review status: criteria provided, single submitter. Criteria: Ambry Variant Classification Scheme 2023. Collection method: clinical testing. Allele origin: germline.
Comment: The p.S238T variant (also known as c.712T>A), located in coding exon 1 of the CDK12 gene, results from a T to A substitution at nucleotide position 712. The serine at codon 238 is replaced by threonine, an amino acid with similar properties. This amino acid position is conserved. In addition, this alteration is predicted to be tolerated by in silico analysis. Based on the available evidence, the clinical significance of this variant remains unclear.

NM_016507.4(CDK12):c.712T>A (p.Ser238Thr)

Genes: CDK12 (cyclin dependent kinase 12; plus strand), LOC126862553 (CDK7 strongly-dependent group 2 enhancer GRCh37_chr17:37618166-37619365; plus strand). Cytogenetic location: 17q12.
Variant type: single nucleotide variant.
Coding change: c.712T>A on transcript NM_016507.4 (MANE Select); coding-DNA position 712, T replaced by A.
Protein change: p.Ser238Thr; replaces serine 238 with threonine.
Molecular consequence: missense variant.
Genome position (GRCh38, 1-based): chr17:39,462,783, T>A. VCF-style: chr17-39462783-T-A. GRCh37 (hg19) VCF-style: chr17-37619036-T-A.
Other names: c.712T>A, p.Ser238Thr (NM_015083.4); short protein forms S238T.
Identifiers: ClinVar variation 4224249 (VCV004224249.1).